The following is an entry in ClinVar:

ClinVar aggregate classification (germline): Uncertain significance (1 of 4 stars; one submission).

Submission:

Labcorp Genetics (formerly Invitae), Labcorp
Classification: Uncertain significance. Last evaluated: 2022-09-01. Review status: criteria provided, single submitter. Criteria: Invitae Variant Classification Sherloc (09022015). Collection method: clinical testing. Allele origin: germline.
Comment: This sequence change replaces glycine, which is neutral and non-polar, with alanine, which is neutral and non-polar, at codon 187 of the IFT52 protein (p.Gly187Ala). This variant is not present in population databases (gnomAD no frequency). In summary, the available evidence is currently insufficient to determine the role of this variant in disease. Therefore, it has been classified as a Variant of Uncertain Significance. Algorithms developed to predict the effect of missense changes on protein structure and function are either unavailable or do not agree on the potential impact of this missense change (SIFT: "Not Available"; PolyPhen-2: "Probably Damaging"; Align-GVGD: "Not Available"). This variant has not been reported in the literature in individuals affected with IFT52-related conditions.

NM_016004.5(IFT52):c.560G>C (p.Gly187Ala)

Gene: IFT52 (intraflagellar transport 52; plus strand). Cytogenetic location: 20q13.12.
Variant type: single nucleotide variant.
Coding change: c.560G>C on transcript NM_016004.5 (MANE Select); coding-DNA position 560, G replaced by C.
Protein change: p.Gly187Ala; replaces glycine 187 with alanine.
Molecular consequence: missense variant. On other transcripts: 5 prime UTR variant (2).
Genome position (GRCh38, 1-based): chr20:43,613,924, G>C. VCF-style: chr20-43613924-G-C. GRCh37 (hg19) VCF-style: chr20-42242564-G-C.
Other names: c.560G>C, p.Gly187Ala (NM_001303458.3, NM_001303459.3); c.32G>C, p.Gly11Ala (NM_001323578.2, NM_001323580.2); c.-205G>C (NM_001323579.2, NM_001323581.2); short protein forms G11A, G187A.
Identifiers: ClinVar variation 2418604 (VCV002418604.6), dbSNP rs2515655998, ClinGen allele CA409084610.